The following is an entry in ClinVar:

ClinVar aggregate classification (germline): Uncertain significance (1 of 4 stars; one submission).

gnomAD v4.1: 1 of 1,613,776 alleles (0.000062%); highest among the groups gnomAD compares: African/African-American, 0.0013%; no homozygotes.

Submission:

GeneDx
Classification: Uncertain significance. Last evaluated: 2026-03-03. Review status: criteria provided, single submitter. Criteria: GeneDx Variant Classification Process June 2021. Collection method: clinical testing. Allele origin: germline.
Comment: Not observed at significant frequency in large population cohorts (gnomAD); In silico analysis suggests that this missense variant does not alter protein structure/function; Has not been previously published as pathogenic or benign to our knowledge

NM_020706.2(SCAF4):c.2569A>T (p.Ile857Phe)

Gene: SCAF4 (SR-related CTD associated factor 4; minus strand). Cytogenetic location: 21q22.11.
Variant type: single nucleotide variant.
Coding change: c.2569A>T on transcript NM_020706.2 (MANE Select); coding-DNA position 2569, A replaced by T.
Protein change: p.Ile857Phe; replaces isoleucine 857 with phenylalanine.
Molecular consequence: missense variant.
Genome position (GRCh38, 1-based): chr21:31,672,274, T>A on the plus strand (A>T on the coding strand, the complement: SCAF4 is on the minus strand). VCF-style: chr21-31672274-T-A. GRCh37 (hg19) VCF-style: chr21-33044587-T-A.
Other names: c.2524A>T, p.Ile842Phe (NM_001145444.1); c.2503A>T, p.Ile835Phe (NM_001145445.1); short protein forms I835F, I842F, I857F.
Identifiers: ClinVar variation 5009956 (VCV005009956.1).